The following is an entry in ClinVar:

NM_001110556.2(FLNA):c.5686+85A>G

Gene: FLNA (filamin A; minus strand). Cytogenetic location: Xq28.
Variant type: single nucleotide variant.
Coding change: c.5686+85A>G on transcript NM_001110556.2 (MANE Select); 85 bases into the intron after coding-DNA position 5686, A replaced by G.
Molecular consequence: intron variant.
Genome position (GRCh38, 1-based): chrX:154,353,830, T>C on the plus strand (A>G on the coding strand, the complement: FLNA is on the minus strand). VCF-style: chrX-154353830-T-C. GRCh37 (hg19) VCF-style: chrX-153582198-T-C.
Other names: c.5662+85A>G (NM_001456.4).
Identifiers: ClinVar variation 674528 (VCV000674528.2), dbSNP rs2070826, ClinGen allele CA337275840.

ClinVar aggregate classification (germline): Benign. Review status: criteria provided, multiple submitters, no conflicts (2 of 4 stars). 2 submissions from 2 submitters: Benign (2). Last evaluated 2018-06-19.

Allele frequency attached by ClinVar (database versions not stated): gnomAD exomes 0.12950; gnomAD 0.21615; TOPMed 0.22664; 1000 Genomes Project 0.25351; 1000 Genomes Project 30x 0.26264.
gnomAD v4.1: 164,777 of 1,187,682 alleles (14%); highest among the groups gnomAD compares: African/African-American, 50%; 11,092 homozygotes.

Submissions (2):

GeneDx
Classification: Benign. Last evaluated: 2018-06-19. Review status: criteria provided, single submitter. Criteria: GeneDx Variant Classification (06012015). Collection method: clinical testing. Allele origin: germline. Affected: yes.
Comment: This variant is considered likely benign or benign based on one or more of the following criteria: it is a conservative change, it occurs at a poorly conserved position in the protein, it is predicted to be benign by multiple in silico algorithms, and/or has population frequency not consistent with disease.

Breakthrough Genomics
Classification: Benign. Review status: criteria provided, single submitter. Criteria: ACMG Guidelines, 2015. Collection method: not provided. Allele origin: germline. Inheritance: X-linked inheritance. Affected: yes.